The following is an entry in ClinVar:

ClinVar aggregate classification (germline): Conflicting classifications of pathogenicity. Review status: criteria provided, conflicting classifications (1 of 4 stars). 4 submissions from 4 submitters: Uncertain significance (3); Likely benign (1). Last evaluated 2026-01-14.

Conditions:
Hereditary cancer-predisposing syndrome. Also called: Neoplastic Syndromes, Hereditary; Hereditary neoplastic syndrome; Tumor predisposition; Hereditary Cancer Syndrome. Identifiers: Orphanet 140162, MedGen C0027672, MeSH D009386, MONDO:0015356.
Prostate cancer, hereditary, 9 (HPC9). Identifiers: Orphanet 1331, MedGen C1970250, MONDO:0012597, OMIM 610997.

Allele frequency attached by ClinVar (database versions not stated): gnomAD below 0.00001 and 0.00006; TOPMed below 0.00001; gnomAD exomes 0.00007 and 0.00019; ExAC 0.00026; 1000 Genomes Project 30x 0.00062; 1000 Genomes Project 0.00080.

Submissions (4):

Labcorp Genetics (formerly Invitae), Labcorp
Classification: Likely benign. Last evaluated: 2026-01-14. Review status: criteria provided, single submitter. Criteria: Invitae Variant Classification Sherloc (09022015). Collection method: clinical testing. Allele origin: germline.

Ambry Genetics
Classification: Uncertain significance for Hereditary cancer-predisposing syndrome. Last evaluated: 2025-11-24. Review status: criteria provided, single submitter. Criteria: Ambry Variant Classification Scheme 2023. Collection method: clinical testing. Allele origin: germline.
Comment: The p.G22R variant (also known as c.64G>A), located in coding exon 1 of the HOXB13 gene, results from a G to A substitution at nucleotide position 64. The glycine at codon 22 is replaced by arginine, an amino acid with dissimilar properties. This amino acid position is well conserved in available vertebrate species. In addition, this alteration is predicted to be tolerated by in silico analysis. Since supporting evidence is limited at this time, the clinical significance of this alteration remains unclear.

Department of Pathology and Laboratory Medicine, Sinai Health System
Classification: Uncertain significance for Prostate cancer, hereditary, 9. Last evaluated: 2021-08-30. Review status: criteria provided, single submitter. Criteria: ACMG Guidelines, 2015. Collection method: clinical testing. Allele origin: germline.

GeneDx
Classification: Uncertain significance. Last evaluated: 2019-08-27. Review status: criteria provided, single submitter. Criteria: GeneDx Variant Classification Process June 2021. Collection method: clinical testing. Allele origin: germline. Affected: yes.
Comment: In silico analysis, which includes protein predictors and evolutionary conservation, supports that this variant does not alter protein structure/function; Has not been previously published as pathogenic or benign to our knowledge; Observed in 47/248,584 (0.0189%) alleles in large population cohorts (Lek 2016); This variant is associated with the following publications: (PMID: 28272408)

NM_006361.6(HOXB13):c.64G>A (p.Gly22Arg)

Gene: HOXB13 (homeobox B13; minus strand). Cytogenetic location: 17q21.32.
Variant type: single nucleotide variant.
Coding change: c.64G>A on transcript NM_006361.6 (MANE Select); coding-DNA position 64, G replaced by A.
Protein change: p.Gly22Arg; replaces glycine 22 with arginine.
Molecular consequence: missense variant.
Genome position (GRCh38, 1-based): chr17:48,728,530, C>T on the plus strand (G>A on the coding strand, the complement: HOXB13 is on the minus strand). VCF-style: chr17-48728530-C-T. GRCh37 (hg19) VCF-style: chr17-46805892-C-T.
Other names: short protein forms G22R.
Identifiers: ClinVar variation 795912 (VCV000795912.19), dbSNP rs539706443, ClinGen allele CA8634072.